The following is an entry in ClinVar:

ClinVar aggregate classification (germline): Uncertain significance. Review status: criteria provided, multiple submitters, no conflicts (2 of 4 stars). 2 submissions from 2 submitters: Uncertain significance (2). Last evaluated 2025-02-18.

Conditions:
Epidermolysis bullosa simplex 3, localized or generalized intermediate, with BP230 deficiency (EBS3). Also called: Epidermolysis bullosa simplex due to BP230 deficiency; Epidermolysis bullosa simplex, autosomal recessive 2. Identifiers: Orphanet 412181, MedGen C3809470, MONDO:0014180, OMIM 615425.
Hereditary sensory and autonomic neuropathy type 6. Also called: HSAN VI; Neuropathy, hereditary sensory and autonomic, type VI. Identifiers: Orphanet 314381, MedGen C3539003, MONDO:0013839, OMIM 614653.

Submissions (2):

GeneDx
Classification: Uncertain significance. Last evaluated: 2025-02-18. Review status: criteria provided, single submitter. Criteria: GeneDx Variant Classification Process June 2021. Collection method: clinical testing. Allele origin: germline. Affected: yes.
Comment: Not observed at significant frequency in large population cohorts (gnomAD); In silico analysis indicates that this missense variant does not alter protein structure/function; Has not been previously published as pathogenic or benign to our knowledge; Reported using the transcript encoding the epithelial isoform of the gene.

Labcorp Genetics (formerly Invitae), Labcorp
Classification: Uncertain significance for Epidermolysis bullosa simplex 3, localized or generalized intermediate, with BP230 deficiency; Hereditary sensory and autonomic neuropathy type 6. Last evaluated: 2021-08-26. Review status: criteria provided, single submitter. Criteria: Invitae Variant Classification Sherloc (09022015). Collection method: clinical testing. Allele origin: germline.
Comment: In summary, the available evidence is currently insufficient to determine the role of this variant in disease. Therefore, it has been classified as a Variant of Uncertain Significance. Algorithms developed to predict the effect of missense changes on protein structure and function are either unavailable or do not agree on the potential impact of this missense change (SIFT: "Deleterious"; PolyPhen-2: "Benign"; Align-GVGD: "Class C35"). This variant has not been reported in the literature in individuals affected with DST-related conditions. This variant is not present in population databases (ExAC no frequency). This sequence change replaces leucine with proline at codon 2588 of the DST protein (p.Leu2588Pro). The leucine residue is weakly conserved and there is a moderate physicochemical difference between leucine and proline.

NM_001723.7(DST):c.7763T>C (p.Leu2588Pro)

Gene: DST (dystonin; minus strand). Cytogenetic location: 6p12.1.
Variant type: single nucleotide variant.
Coding change: c.7763T>C on transcript NM_001723.7 (MANE Plus Clinical); coding-DNA position 7763, T replaced by C.
Protein change: p.Leu2588Pro; replaces leucine 2588 with proline.
Molecular consequence: missense variant. On other transcripts: intron variant (10).
Genome position (GRCh38, 1-based): chr6:56,615,704, A>G on the plus strand (T>C on the coding strand, the complement: DST is on the minus strand). VCF-style: chr6-56615704-A-G. GRCh37 (hg19) VCF-style: chr6-56480502-A-G.
Other names: c.4831-1220T>C (NM_001144769.5); c.4930-1220T>C (NM_001374722.1, NM_001374736.1); c.4957-1220T>C (NM_001374734.1); c.4417-1220T>C (NM_001144770.2); c.4297-1220T>C (NM_001374730.1, NM_001386100.1, NM_183380.4 and 1 more transcripts); c.3319-1220T>C (NM_015548.5); c.7763T>C (NM_001723.5); short protein forms L2588P.
Identifiers: ClinVar variation 1438810 (VCV001438810.7), dbSNP rs2098607417, ClinGen allele CA364562298.